The following is an entry in ClinVar:

NC_000010.10:g.(?_12111033)_(12148415_?)del

Gene: DHTKD1 (dehydrogenase E1 and transketolase domain containing 1; plus strand). Cytogenetic location: 10p14.
Variant type: Deletion.
Identifiers: ClinVar variation 2426489 (VCV002426489.6).

ClinVar aggregate classification (germline): Pathogenic (1 of 4 stars; one submission).

Conditions:
2-aminoadipic 2-oxoadipic aciduria (AAKAD). Also called: Aminoadipic aciduria; ALPHA-AMINOADIPIC AND ALPHA-KETOADIPIC ACIDURIA. Identifiers: Orphanet 79154, MedGen C1859817, MONDO:0008774, OMIM 204750.

Submission:

Labcorp Genetics (formerly Invitae), Labcorp
Classification: Pathogenic for 2-aminoadipic 2-oxoadipic aciduria. Last evaluated: 2021-11-06. Review status: criteria provided, single submitter. Criteria: Invitae Variant Classification Sherloc (09022015). Collection method: clinical testing. Allele origin: germline.
Comment: For these reasons, this variant has been classified as Pathogenic. This variant has not been reported in the literature in individuals affected with DHTKD1-related conditions. This variant is a gross deletion of the genomic region encompassing exon(s) 1-11 of the DHTKD1 gene, which includes the initiator codon. This deletion extends beyond the assayed region for this gene and therefore may encompass additional genes. It is expected to result in an absent or disrupted protein product. Loss-of-function variants in DHTKD1 are known to be pathogenic (PMID: 23141293, 25860818).

Literature cited by the submitters: PubMed 23141293; PubMed 25860818.